The following is an entry in ClinVar:

NM_012186.3(FOXE3):c.756_779del (p.Cys253_Pro260del)

Genes: FOXE3 (forkhead box E3; plus strand), LINC01389 (long independently transcribed non-coding RNA 1389; minus strand). Cytogenetic location: 1p33.
Variant type: Deletion.
Coding change: c.756_779del on transcript NM_012186.3 (MANE Select); coding-DNA positions 756 to 779, 24 bases deleted (CTGCGCTGCCGCCGCCTCCCCGCC).
Protein change: p.Cys253_Pro260del.
Molecular consequence: inframe deletion.
Genome position (GRCh38, 1-based): chr1:47,417,071-47,417,094, CTGCGCTGCCGCCGCCTCCCCGCC deleted; deleting any 24 consecutive bases within chr1:47,417,065-47,417,094 gives the same sequence; the c. name uses the placement nearest the transcript's 3' end. VCF-style (leftmost placement, unchanged base first): chr1-47417064-TCCCGCCCTGCGCTGCCGCCGCCTC-T. GRCh37 (hg19) VCF-style: chr1-47882736-TCCCGCCCTGCGCTGCCGCCGCCTC-T.
Identifiers: ClinVar variation 1521846 (VCV001521846.6), dbSNP rs761938618, ClinGen allele CA843010.

ClinVar aggregate classification (germline): Uncertain significance (1 of 4 stars; one submission).

Conditions:
Anterior segment dysgenesis. Also called: Ocular anterior segment dysgenesis. Identifiers: Orphanet 88632, MedGen C1862839, MONDO:0019503, HP:0007700.
Congenital primary aphakia. Also called: ANTERIOR SEGMENT DYSGENESIS 2; Anterior segment dysgenesis 2, multiple subtypes. Identifiers: Orphanet 83461, MedGen C1853230, MONDO:0012456, OMIM 610256.

Submission:

Labcorp Genetics (formerly Invitae), Labcorp
Classification: Uncertain significance for Anterior segment dysgenesis; Congenital primary aphakia. Last evaluated: 2025-10-28. Review status: criteria provided, single submitter. Criteria: Invitae Variant Classification Sherloc (09022015). Collection method: clinical testing. Allele origin: germline.
Comment: This variant, c.756_779del, results in the deletion of 8 amino acid(s) of the FOXE3 protein (p.Cys253_Pro260del), but otherwise preserves the integrity of the reading frame. This variant is present in population databases (rs761938618, gnomAD 0.07%). This variant has not been reported in the literature in individuals affected with FOXE3-related conditions. ClinVar contains an entry for this variant (Variation ID: 1521846). Experimental studies and prediction algorithms are not available or were not evaluated, and the functional significance of this variant is currently unknown. In summary, the available evidence is currently insufficient to determine the role of this variant in disease. Therefore, it has been classified as a Variant of Uncertain Significance.